The following is an entry in ClinVar:

ClinVar aggregate classification (germline): Uncertain significance (1 of 4 stars; one submission).

gnomAD v4.1: 23 of 1,580,510 alleles (0.0015%); highest among the groups gnomAD compares: African/African-American, 0.028%; no homozygotes.

Submission:

GeneDx
Classification: Uncertain significance. Last evaluated: 2024-04-02. Review status: criteria provided, single submitter. Criteria: GeneDx Variant Classification Process June 2021. Collection method: clinical testing. Allele origin: germline. Affected: yes.
Comment: In silico analysis supports that this missense variant does not alter protein structure/function; Has not been previously published as pathogenic or benign to our knowledge

NM_018238.4(AGK):c.896G>C (p.Ser299Thr)

Gene: AGK (acylglycerol kinase; plus strand). Cytogenetic location: 7q34.
Variant type: single nucleotide variant.
Coding change: c.896G>C on transcript NM_018238.4 (MANE Select); coding-DNA position 896, G replaced by C.
Protein change: p.Ser299Thr; replaces serine 299 with threonine.
Molecular consequence: missense variant.
Genome position (GRCh38, 1-based): chr7:141,641,829, G>C. VCF-style: chr7-141641829-G-C. GRCh37 (hg19) VCF-style: chr7-141341629-G-C.
Other names: c.896G>C, p.Ser299Thr (NM_001364948.3); short protein forms S299T.
Identifiers: ClinVar variation 3371666 (VCV003371666.1).